The following is an entry in ClinVar:

NM_001297.5(CNGB1):c.1415C>T (p.Thr472Ile)

Gene: CNGB1 (cyclic nucleotide gated channel subunit beta 1; minus strand). Cytogenetic location: 16q21.
Variant type: single nucleotide variant.
Coding change: c.1415C>T on transcript NM_001297.5 (MANE Select); coding-DNA position 1415, C replaced by T.
Protein change: p.Thr472Ile; replaces threonine 472 with isoleucine.
Molecular consequence: missense variant.
Genome position (GRCh38, 1-based): chr16:57,931,836, G>A on the plus strand (C>T on the coding strand, the complement: CNGB1 is on the minus strand). VCF-style: chr16-57931836-G-A. GRCh37 (hg19) VCF-style: chr16-57965740-G-A.
Other names: c.1397C>T, p.Thr466Ile (NM_001286130.2); short protein forms T466I, T472I.
Identifiers: ClinVar variation 1467381 (VCV001467381.8), dbSNP rs1961360646, ClinGen allele CA396070940.
Genomic context (GRCh38, chr16:57,931,836, plus strand): 5'-GGCGGCAACACGGTTGAGGGTGGATTCTCTTCTGCCATGAGGGGGCAGCTATCAGCATCA[G>A]TATCTTCCACCTGCACTTCTGGGTGCTGTTTCGTGGCAGGCACTGGGGGAGAGGAAGGAG-3'
Protein context (NP_001288.3, residues 462-482): KQHPEVQVED[Thr472Ile]DADSCPLMAE

ClinVar aggregate classification (germline): Uncertain significance (1 of 4 stars; one submission).

Allele frequency attached by ClinVar (database versions not stated): gnomAD exomes below 0.00001; TOPMed 0.00001.
gnomAD v4.1: 1 of 1,614,190 alleles (0.000062%); highest among the groups gnomAD compares: African/African-American, 0.0013%; no homozygotes.

Submission:

Labcorp Genetics (formerly Invitae), Labcorp
Classification: Uncertain significance. Last evaluated: 2022-07-26. Review status: criteria provided, single submitter. Criteria: Invitae Variant Classification Sherloc (09022015). Collection method: clinical testing. Allele origin: germline.
Comment: This sequence change replaces threonine, which is neutral and polar, with isoleucine, which is neutral and non-polar, at codon 472 of the CNGB1 protein (p.Thr472Ile). This variant is not present in population databases (gnomAD no frequency). This variant has not been reported in the literature in individuals affected with CNGB1-related conditions. ClinVar contains an entry for this variant (Variation ID: 1467381). Advanced modeling of protein sequence and biophysical properties (such as structural, functional, and spatial information, amino acid conservation, physicochemical variation, residue mobility, and thermodynamic stability) performed at Invitae indicates that this missense variant is not expected to disrupt CNGB1 protein function. In summary, the available evidence is currently insufficient to determine the role of this variant in disease. Therefore, it has been classified as a Variant of Uncertain Significance.